The following is an entry in ClinVar:

ClinVar aggregate classification (germline): Conflicting classifications of pathogenicity. Review status: criteria provided, conflicting classifications (1 of 4 stars). 2 submissions from 2 submitters: Uncertain significance (1); Likely benign (1). Last evaluated 2023-10-13.

Conditions:
KBG syndrome (KBGS). Also called: ANKRD11-Related KBG Syndrome. Identifiers: Orphanet 2332, MedGen C0220687, MONDO:0007846, OMIM 148050.
Inborn genetic diseases. Identifiers: MedGen C0950123, MeSH D030342.

Allele frequency attached by ClinVar (database versions not stated): ESP Exome Variant Server 0.00019.
gnomAD v4.1: 65 of 1,593,174 alleles (0.0041%); highest among the groups gnomAD compares: Non-Finnish European, 0.0054%; no homozygotes.

Submissions (2):

Labcorp Genetics (formerly Invitae), Labcorp
Classification: Uncertain significance for KBG syndrome. Last evaluated: 2023-10-13. Review status: criteria provided, single submitter. Criteria: Invitae Variant Classification Sherloc (09022015). Collection method: clinical testing. Allele origin: germline.
Comment: This sequence change replaces valine, which is neutral and non-polar, with methionine, which is neutral and non-polar, at codon 2079 of the ANKRD11 protein (p.Val2079Met). This variant is present in population databases (rs375484982, gnomAD 0.002%). This variant has not been reported in the literature in individuals affected with ANKRD11-related conditions. ClinVar contains an entry for this variant (Variation ID: 1752359). Advanced modeling of protein sequence and biophysical properties (such as structural, functional, and spatial information, amino acid conservation, physicochemical variation, residue mobility, and thermodynamic stability) performed at Invitae indicates that this missense variant is not expected to disrupt ANKRD11 protein function. In summary, the available evidence is currently insufficient to determine the role of this variant in disease. Therefore, it has been classified as a Variant of Uncertain Significance.

Ambry Genetics
Classification: Likely benign for Inborn genetic diseases. Last evaluated: 2019-04-16. Review status: criteria provided, single submitter. Criteria: Ambry Variant Classification Scheme 2023. Collection method: clinical testing. Allele origin: germline.

NM_013275.6(ANKRD11):c.6235G>A (p.Val2079Met)

Gene: ANKRD11 (ankyrin repeat domain 11; minus strand). Cytogenetic location: 16q24.3.
Variant type: single nucleotide variant.
Coding change: c.6235G>A on transcript NM_013275.6 (MANE Select); coding-DNA position 6235, G replaced by A.
Protein change: p.Val2079Met; replaces valine 2079 with methionine.
Molecular consequence: missense variant.
Genome position (GRCh38, 1-based): chr16:89,280,307, C>T on the plus strand (G>A on the coding strand, the complement: ANKRD11 is on the minus strand). VCF-style: chr16-89280307-C-T. GRCh37 (hg19) VCF-style: chr16-89346715-C-T.
Other names: c.6235G>A, p.Val2079Met (NM_001256182.2, NM_001256183.2); short protein forms V2079M.
Identifiers: ClinVar variation 1752359 (VCV001752359.5), dbSNP rs375484982, ClinGen allele CA8241522.